The following is an entry in ClinVar:

ClinVar aggregate classification (germline): Uncertain significance. Review status: criteria provided, multiple submitters, no conflicts (2 of 4 stars). 2 submissions from 2 submitters: Uncertain significance (2). Last evaluated 2026-03-11.

Submissions (2):

Ambry Genetics
Classification: Uncertain significance. Last evaluated: 2026-03-11. Review status: criteria provided, single submitter. Criteria: Ambry Variant Classification Scheme 2023. Collection method: clinical testing. Allele origin: germline.
Comment: The p.N738D variant (also known as c.2212A>G), located in coding exon 15 of the RINT1 gene, results from an A to G substitution at nucleotide position 2212. The asparagine at codon 738 is replaced by aspartic acid, an amino acid with highly similar properties. This amino acid position is conserved. In addition, this alteration is predicted to be tolerated by in silico analysis. Based on the available evidence, the clinical significance of this variant remains unclear.

Labcorp Genetics (formerly Invitae), Labcorp
Classification: Uncertain significance. Last evaluated: 2021-04-11. Review status: criteria provided, single submitter. Criteria: Invitae Variant Classification Sherloc (09022015). Collection method: clinical testing. Allele origin: germline.
Comment: In summary, the available evidence is currently insufficient to determine the role of this variant in disease. Therefore, it has been classified as a Variant of Uncertain Significance. Algorithms developed to predict the effect of missense changes on protein structure and function are either unavailable or do not agree on the potential impact of this missense change (SIFT: "Tolerated"; PolyPhen-2: "Possibly Damaging"; Align-GVGD: "Class C0"). This variant has not been reported in the literature in individuals with RINT1-related conditions. This variant is not present in population databases (ExAC no frequency). This sequence change replaces asparagine with aspartic acid at codon 738 of the RINT1 protein (p.Asn738Asp). The asparagine residue is moderately conserved and there is a small physicochemical difference between asparagine and aspartic acid.

NM_021930.6(RINT1):c.2212A>G (p.Asn738Asp)

Genes: EFCAB10 (EF-hand calcium binding domain 10; minus strand), RINT1 (RAD50 interactor 1; plus strand). Cytogenetic location: 7q22.3.
Variant type: single nucleotide variant.
Coding change: c.2212A>G on transcript NM_021930.6 (MANE Select); coding-DNA position 2212, A replaced by G.
Protein change: p.Asn738Asp; replaces asparagine 738 with aspartic acid.
Molecular consequence: missense variant. On other transcripts: 3 prime UTR variant (2), non-coding transcript variant (1), intron variant (3).
Genome position (GRCh38, 1-based): chr7:105,567,144, A>G. VCF-style: chr7-105567144-A-G. GRCh37 (hg19) VCF-style: chr7-105207591-A-G.
Other names: c.*310T>C (NM_001355527.2, NM_001355529.2); c.1978A>G, p.Asn660Asp (NM_001346599.2); c.1189A>G, p.Asn397Asp (NM_001346600.2, NM_001346603.2); c.1288A>G, p.Asn430Asp (NM_001346601.2); c.360-1697T>C (NM_001355531.2); c.383+323T>C (NM_001355526.2, NM_001355530.2); c.2212A>G (NM_021930.4); short protein forms N660D, N430D, N397D, N738D.
Identifiers: ClinVar variation 1467461 (VCV001467461.9), dbSNP rs2133495845, ClinGen allele CA368815406.
Genomic context (GRCh38, chr7:105,567,144, plus strand): 5'-AGATCTCATTTCCCTCCTTTGTTTTCCCTAAACAGTATAAAAGAAGCCTGTATTGTTTTG[A>G]ATTTGAACGTCGGTTCTGCACTACTGCTGAAAGATGTACTGCAGTCAGCTTCAGGGCAGC-3'
Protein context (NP_068749.3, residues 728-748): KHIKEACIVL[Asn738Asp]LNVGSALLLK